The following is an entry in ClinVar:

ClinVar aggregate classification (germline): Uncertain significance (1 of 4 stars; one submission).

Conditions:
Carnitine palmitoyltransferase II deficiency. Also called: Carnitine Palmitoyltransferase 2 Deficiency. Identifiers: Orphanet 157, MedGen C0342790, MONDO:0015515.

Submission:

Labcorp Genetics (formerly Invitae), Labcorp
Classification: Uncertain significance for Carnitine palmitoyltransferase II deficiency. Last evaluated: 2021-08-31. Review status: criteria provided, single submitter. Criteria: Invitae Variant Classification Sherloc (09022015). Collection method: clinical testing. Allele origin: germline.
Comment: This sequence change replaces proline with leucine at codon 266 of the CPT2 protein (p.Pro266Leu). The proline residue is moderately conserved and there is a moderate physicochemical difference between proline and leucine. In summary, the available evidence is currently insufficient to determine the role of this variant in disease. Therefore, it has been classified as a Variant of Uncertain Significance. Advanced modeling of protein sequence and biophysical properties (such as structural, functional, and spatial information, amino acid conservation, physicochemical variation, residue mobility, and thermodynamic stability) performed at Invitae indicates that this missense variant is not expected to disrupt CPT2 protein function. This variant has not been reported in the literature in individuals affected with CPT2-related conditions. This variant is not present in population databases (ExAC no frequency).

NM_000098.3(CPT2):c.797C>T (p.Pro266Leu)

Gene: CPT2 (carnitine palmitoyltransferase 2; plus strand). Cytogenetic location: 1p32.3.
Variant type: single nucleotide variant.
Coding change: c.797C>T on transcript NM_000098.3 (MANE Select); coding-DNA position 797, C replaced by T.
Protein change: p.Pro266Leu; replaces proline 266 with leucine.
Molecular consequence: missense variant.
Genome position (GRCh38, 1-based): chr1:53,210,471, C>T. VCF-style: chr1-53210471-C-T. GRCh37 (hg19) VCF-style: chr1-53676143-C-T.
Other names: c.797C>T, p.Pro266Leu (NM_001330589.2); short protein forms P266L.
Identifiers: ClinVar variation 1378962 (VCV001378962.6), dbSNP rs2100272740, ClinGen allele CA340393749.